The following is an entry in ClinVar:

NM_000053.4(ATP7B):c.2696T>C (p.Ile899Thr)

Gene: ATP7B (ATPase copper transporting beta; minus strand). Cytogenetic location: 13q14.3.
Variant type: single nucleotide variant.
Coding change: c.2696T>C on transcript NM_000053.4 (MANE Select); coding-DNA position 2696, T replaced by C.
Protein change: p.Ile899Thr; replaces isoleucine 899 with threonine.
Molecular consequence: missense variant.
Genome position (GRCh38, 1-based): chr13:51,950,041, A>G on the plus strand (T>C on the coding strand, the complement: ATP7B is on the minus strand). VCF-style: chr13-51950041-A-G. GRCh37 (hg19) VCF-style: chr13-52524177-A-G.
Other names: c.2444T>C, p.Ile815Thr (NM_001406532.1, NM_001406540.1, NM_001330579.2 and 1 more transcripts); c.2462T>C, p.Ile821Thr (NM_001406534.1, NM_001406538.1, NM_001406527.1 and 2 more transcripts); c.2696T>C, p.Ile899Thr (NM_001406535.1, NM_001406523.1, NM_001406525.1 and 7 more transcripts); c.2366T>C, p.Ile789Thr (NM_001406536.1); c.2552T>C, p.Ile851Thr (NM_001406537.1, NM_001406521.1, NM_001406522.1 and 1 more transcripts); c.2210T>C, p.Ile737Thr (NM_001406546.1, NM_001406541.1, NM_001406542.1 and 1 more transcripts); c.1406T>C, p.Ile469Thr (NM_001406548.1); c.2048T>C, p.Ile683Thr (NM_001406547.1, NM_001406545.1); and 8 more; short protein forms I469T, I683T, I705T, I737T, I756T, I783T, I788T, I789T.
Identifiers: ClinVar variation 3074837 (VCV003074837.1), dbSNP rs2547670083, ClinGen allele CA388034245.
Genomic context (GRCh38, chr13:51,950,041, plus strand): 5'-GTTAGTTTTAAAAATTTCTTCATTACCTTTGACATCTGAGCCTCTTCCACCAGTTTCACA[A>G]TCTGAGCCAAAGTGGTGTCATTGCCCACGTGGGTAGCTTTAATGAGCACAGAGCCATGTG-3'
Protein context (NP_000044.2, residues 889-909): HVGNDTTLAQ[Ile899Thr]VKLVEEAQMS

ClinVar aggregate classification (germline): Uncertain significance (1 of 4 stars; one submission).

Conditions:
Wilson disease (WND). Also called: Wilson's disease. Identifiers: Orphanet 905, MedGen C0019202, MONDO:0010200, OMIM 277900. Disease mechanism: loss of function.

Submission:

All of Us Research Program, National Institutes of Health
Classification: Uncertain significance for Wilson disease. Last evaluated: 2024-01-11. Review status: criteria provided, single submitter. Criteria: ACMG Guidelines, 2015. Collection method: clinical testing. Allele origin: germline. Inheritance: Autosomal recessive inheritance. Observed: 2 variant alleles, 2 heterozygotes.
Comment: This missense variant replaces isoleucine with threonine at codon 899 of the ATP7B protein. Computational prediction suggests that this variant may have deleterious impact on protein structure and function (internally defined REVEL score threshold >= 0.7, PMID: 27666373). To our knowledge, functional studies have not been reported for this variant. This variant has not been reported in individuals affected with ATP7B-related disorders in the literature. This variant has not been identified in the general population by the Genome Aggregation Database (gnomAD). The available evidence is insufficient to determine the role of this variant in disease conclusively. Therefore, this variant is classified as a Variant of Uncertain Significance.

This study involves interpretation of variants in research participants for the purpose of population health screening. Participant phenotype was not available at the time of variant classification. Additional details can be found in publication PMID: 35346344, PMCID: PMC8962531